The following is an entry in ClinVar:

ClinVar aggregate classification (germline): Uncertain significance (1 of 4 stars; one submission).

Allele frequency attached by ClinVar (database versions not stated): ExAC 0.00001; gnomAD 0.00002; TOPMed 0.00005; 1000 Genomes Project 30x 0.00016.
gnomAD v4.1: 9 of 1,614,118 alleles (0.00056%); highest among the groups gnomAD compares: African/African-American, 0.008%; no homozygotes.

Submission:

Labcorp Genetics (formerly Invitae), Labcorp
Classification: Uncertain significance. Last evaluated: 2022-07-19. Review status: criteria provided, single submitter. Criteria: Invitae Variant Classification Sherloc (09022015). Collection method: clinical testing. Allele origin: germline.
Comment: In summary, the available evidence is currently insufficient to determine the role of this variant in disease. Therefore, it has been classified as a Variant of Uncertain Significance. Algorithms developed to predict the effect of missense changes on protein structure and function output the following: SIFT: "Tolerated"; PolyPhen-2: "Benign"; Align-GVGD: "Class C0". The phenylalanine amino acid residue is found in multiple mammalian species, which suggests that this missense change does not adversely affect protein function. This variant has not been reported in the literature in individuals affected with C2-related conditions. This variant is present in population databases (rs766612461, gnomAD 0.007%). This sequence change replaces serine, which is neutral and polar, with phenylalanine, which is neutral and non-polar, at codon 58 of the C2 protein (p.Ser58Phe).

NM_000063.6(C2):c.173C>T (p.Ser58Phe)

Gene: C2 (complement C2; plus strand). Cytogenetic location: 6p21.33.
Variant type: single nucleotide variant.
Coding change: c.173C>T on transcript NM_000063.6 (MANE Select); coding-DNA position 173, C replaced by T.
Protein change: p.Ser58Phe; replaces serine 58 with phenylalanine.
Molecular consequence: missense variant. On other transcripts: genic upstream transcript variant (2), intron variant (1).
Genome position (GRCh38, 1-based): chr6:31,928,081, C>T. VCF-style: chr6-31928081-C-T. GRCh37 (hg19) VCF-style: chr6-31895858-C-T.
Other names: c.58C>T, p.Pro20Ser (NM_001282458.2); c.173C>T, p.Ser58Phe (NM_001282459.2); c.-63-5529C>T (NM_001282457.2); c.74-5529C>T (NM_001178063.3); c.46+283C>T (NM_001145903.3); short protein forms S58F, P20S.
Identifiers: ClinVar variation 2081560 (VCV002081560.2), dbSNP rs766612461, ClinGen allele CA3727294.
Genomic context (GRCh38, chr6:31,928,081, plus strand): 5'-GCCATGGCTGGGCTCCTGGGAGCCTTCTCACCTACTCCTGCCCCCAGGGCCTGTACCCAT[C>T]CCCAGCATCACGGCTGTGCAAGAGCAGCGGACAGTGGCAGACCCCAGGAGCCACCCGGTC-3'
Protein context (NP_000054.2, residues 48-68): TYSCPQGLYP[Ser58Phe]PASRLCKSSG